The following is an entry in ClinVar:

ClinVar aggregate classification (germline): Benign. Review status: criteria provided, multiple submitters, no conflicts (2 of 4 stars). 2 submissions from 2 submitters: Benign (2). Last evaluated 2018-06-14.

Allele frequency attached by ClinVar (database versions not stated): gnomAD exomes 0.43108; gnomAD 0.46764 and 0.47184; TOPMed 0.48040; 1000 Genomes Project 30x 0.56324; 1000 Genomes Project 0.57049.
gnomAD v4.1: 603,574 of 1,383,866 alleles (44%); highest among the groups gnomAD compares: East Asian, 84%; 137,392 homozygotes.

Submissions (2):

GeneDx
Classification: Benign. Last evaluated: 2018-06-14. Review status: criteria provided, single submitter. Criteria: GeneDx Variant Classification (06012015). Collection method: clinical testing. Allele origin: germline. Affected: yes.
Comment: This variant is considered likely benign or benign based on one or more of the following criteria: it is a conservative change, it occurs at a poorly conserved position in the protein, it is predicted to be benign by multiple in silico algorithms, and/or has population frequency not consistent with disease.

Breakthrough Genomics
Classification: Benign. Review status: criteria provided, single submitter. Criteria: ACMG Guidelines, 2015. Collection method: not provided. Allele origin: germline. Inheritance: Autosomal dominant inheritance. Affected: yes.

NM_017617.5(NOTCH1):c.4015-73G>A

Gene: NOTCH1 (notch receptor 1; minus strand). Cytogenetic location: 9q34.3.
Variant type: single nucleotide variant.
Coding change: c.4015-73G>A on transcript NM_017617.5 (MANE Select); 73 bases into the intron before coding-DNA position 4015, G replaced by A.
Molecular consequence: intron variant.
Genome position (GRCh38, 1-based): chr9:136,505,954, C>T on the plus strand (G>A on the coding strand, the complement: NOTCH1 is on the minus strand). VCF-style: chr9-136505954-C-T. GRCh37 (hg19) VCF-style: chr9-139400406-C-T.
Identifiers: ClinVar variation 678142 (VCV000678142.2), dbSNP rs11145764, ClinGen allele CA13004103.
Genomic context (GRCh38, chr9:136,505,954, plus strand): 5'-GAAGACAGGACGGTGTCGGGGTGGGCCACCCCCCGCCCCCCCGCCACCTCACACCCAGCC[C>T]TCGGCCAGCAGTGCCACCGCTCTCCTCTAACCTGGGAGGCGGCCTGCAACCTTGCCCCCA-3'